The following is an entry in ClinVar:

ClinVar aggregate classification (germline): Uncertain significance (1 of 4 stars; one submission).

Allele frequency attached by ClinVar (database versions not stated): ExAC 0.00002; ESP Exome Variant Server 0.00015; gnomAD 0.00003; TOPMed 0.00003.
gnomAD v4.1: 100 of 1,613,874 alleles (0.0062%); highest among the groups gnomAD compares: Non-Finnish European, 0.008%; no homozygotes.

Submission:

Labcorp Genetics (formerly Invitae), Labcorp
Classification: Uncertain significance. Last evaluated: 2026-01-19. Review status: criteria provided, single submitter. Criteria: Invitae Variant Classification Sherloc (09022015). Collection method: clinical testing. Allele origin: germline.
Comment: This sequence change replaces alanine, which is neutral and non-polar, with valine, which is neutral and non-polar, at codon 147 of the SIAE protein (p.Ala147Val). This variant is present in population databases (rs367630158, gnomAD 0.006%). This variant has not been reported in the literature in individuals affected with SIAE-related conditions. ClinVar contains an entry for this variant (Variation ID: 2896984). An algorithm developed to predict the effect of missense changes on protein structure and function outputs the following: PolyPhen-2: "Benign". The valine amino acid residue is found in multiple mammalian species, which suggests that this missense change does not adversely affect protein function. In summary, the available evidence is currently insufficient to determine the role of this variant in disease. Therefore, it has been classified as a Variant of Uncertain Significance.

NM_170601.5(SIAE):c.440C>T (p.Ala147Val)

Gene: SIAE (sialic acid acetylesterase; minus strand). Cytogenetic location: 11q24.2.
Variant type: single nucleotide variant.
Coding change: c.440C>T on transcript NM_170601.5 (MANE Select); coding-DNA position 440, C replaced by T.
Protein change: p.Ala147Val; replaces alanine 147 with valine.
Molecular consequence: missense variant.
Genome position (GRCh38, 1-based): chr11:124,654,759, G>A on the plus strand (C>T on the coding strand, the complement: SIAE is on the minus strand). VCF-style: chr11-124654759-G-A. GRCh37 (hg19) VCF-style: chr11-124524655-G-A.
Other names: c.335C>T, p.Ala112Val (NM_001199922.2); short protein forms A112V, A147V.
Identifiers: ClinVar variation 2896984 (VCV002896984.3), dbSNP rs367630158, ClinGen allele CA6341524.